The following is an entry in ClinVar:

NM_007194.4(CHEK2):c.152del (p.Gln51fs)

Gene: CHEK2 (checkpoint kinase 2; minus strand). Cytogenetic location: 22q12.1.
Variant type: Deletion.
Coding change: c.152del on transcript NM_007194.4 (MANE Select); coding-DNA position 152, one base deleted (A; older notation c.152delA).
Protein change: p.Gln51fs; shifts the reading frame from glutamine 51.
Molecular consequence: frameshift variant.
Genome position (GRCh38, 1-based): chr22:28,734,570, T deleted on the plus strand (A on the coding strand, the reverse complement: CHEK2 is on the minus strand). VCF-style (leftmost placement, unchanged base first): chr22-28734569-CT-C. GRCh37 (hg19) VCF-style: chr22-29130557-CT-C.
Other names: c.152delA, p.Gln51Argfs (NM_001005735.3, NM_001349956.3, NM_145862.3); c.-626delA (NM_001257387.3); short protein forms Q51fs.
Identifiers: ClinVar variation 2006872 (VCV002006872.4), dbSNP rs753968550, ClinGen allele CA10168067.

ClinVar aggregate classification (germline): Pathogenic (1 of 4 stars; one submission).

Conditions:
Familial cancer of breast. Also called: hereditary breast carcinoma; Hereditary breast cancer; BREAST CANCER, FAMILIAL. Identifiers: Orphanet 227535, MedGen C0346153, MONDO:0016419, OMIM 114480. Disease mechanism: loss of function.

Allele frequency attached by ClinVar (database versions not stated): ExAC 0.00001; ESP Exome Variant Server 0.00008.

Submission:

Labcorp Genetics (formerly Invitae), Labcorp
Classification: Pathogenic for Familial cancer of breast. Last evaluated: 2022-06-15. Review status: criteria provided, single submitter. Criteria: Invitae Variant Classification Sherloc (09022015). Collection method: clinical testing. Allele origin: germline.
Comment: This sequence change creates a premature translational stop signal (p.Gln51Argfs*10) in the CHEK2 gene. It is expected to result in an absent or disrupted protein product. Loss-of-function variants in CHEK2 are known to be pathogenic (PMID: 21876083, 24713400). This variant is present in population databases (rs753968550, gnomAD 0.0009%). This variant has not been reported in the literature in individuals affected with CHEK2-related conditions. For these reasons, this variant has been classified as Pathogenic.

Literature cited by the submitters: PubMed 21876083; PubMed 24713400.